The following is an entry in ClinVar:

ClinVar aggregate classification (germline): Uncertain significance. Review status: criteria provided, multiple submitters, no conflicts (2 of 4 stars). 2 submissions from 2 submitters: Uncertain significance (2). Last evaluated 2024-03-06.

Conditions:
Hereditary nonpolyposis colorectal neoplasms. Identifiers: MedGen C0009405, MeSH D003123.
Endometrial carcinoma. Also called: Endometrial carcinoma, somatic. Identifiers: MedGen C0476089, MONDO:0002447, OMIM 608089, HP:0012114.

Submissions (2):

Baylor Genetics
Classification: Uncertain significance for Endometrial carcinoma. Last evaluated: 2024-03-06. Review status: criteria provided, single submitter. Criteria: ACMG Guidelines, 2015. Collection method: clinical testing. Allele origin: unknown.

Labcorp Genetics (formerly Invitae), Labcorp
Classification: Uncertain significance for Hereditary nonpolyposis colorectal neoplasms. Last evaluated: 2023-06-21. Review status: criteria provided, single submitter. Criteria: Invitae Variant Classification Sherloc (09022015). Collection method: clinical testing. Allele origin: germline.
Comment: This variant, c.3918_3929dup, results in the insertion of 4 amino acid(s) of the MSH6 protein (p.Pro1309_Glu1310insAspAsnLeuPro), but otherwise preserves the integrity of the reading frame. This variant is not present in population databases (gnomAD no frequency). This variant has not been reported in the literature in individuals affected with MSH6-related conditions. In summary, the available evidence is currently insufficient to determine the role of this variant in disease. Therefore, it has been classified as a Variant of Uncertain Significance.

NM_000179.3(MSH6):c.3918_3929dup (p.Pro1309_Glu1310insAspAsnLeuPro)

Gene: MSH6 (mutS homolog 6; plus strand). Cytogenetic location: 2p16.3.
Variant type: Duplication.
Coding change: c.3918_3929dup on transcript NM_000179.3 (MANE Select); coding-DNA positions 3918 to 3929, 12 bases duplicated (TAATCTCCCAGA).
Protein change: p.Pro1309_Glu1310insAspAsnLeuPro.
Molecular consequence: inframe insertion. On other transcripts: non-coding transcript variant (5), intron variant (1).
Genome position (GRCh38, 1-based): chr2:47,806,568-47,806,579, TAATCTCCCAGA duplicated. VCF-style (leftmost placement, unchanged base first): chr2-47806567-C-CTAATCTCCCAGA. GRCh37 (hg19) VCF-style: chr2-48033706-C-CTAATCTCCCAGA.
Other names: c.3528_3539dup, p.Pro1179_Glu1180insAspAsnLeuPro (NM_001281492.2); c.3012_3023dup, p.Pro1007_Glu1008insAspAsnLeuPro (NM_001281493.2, NM_001281494.2, NM_001406811.1 and 6 more transcripts); c.4014_4025dup, p.Pro1341_Glu1342insAspAsnLeuPro (NM_001406795.1); c.3918_3929dup, p.Pro1309_Glu1310insAspAsnLeuPro (NM_001406796.1, NM_001406808.1, NM_001406809.1); c.3621_3632dup, p.Pro1210_Glu1211insAspAsnLeuPro (NM_001406797.1, NM_001406801.1, NM_001406805.1 and 10 more transcripts); c.3744_3755dup, p.Pro1251_Glu1252insAspAsnLeuPro (NM_001406798.1); c.3393_3404dup, p.Pro1134_Glu1135insAspAsnLeuPro (NM_001406799.1, NM_001406806.1, NM_001406807.1); c.3905_3916dup, p.Gln1305_Arg1306insIleIleSerGln (NM_001406800.1); and 9 more.
Identifiers: ClinVar variation 2720332 (VCV002720332.4), dbSNP rs2530869418, ClinGen allele CA2697548082.
Genomic context (GRCh38, chr2:47,806,567, plus strand): 5'-TCTATAAATTCATTAAGGGAGCTTGTCCTAAAAGCTATGGCTTTAATGCAGCAAGGCTTG[C>CTAATCTCCCAGA]TAATCTCCCAGAGGAAGTTATTCAAAAGGGACATAGAAAAGCAAGAGAATTTGAGAAGAT-3'